The following is an entry in ClinVar:

NM_000059.4(BRCA2):c.9086C>A (p.Ala3029Glu)

Gene: BRCA2 (BRCA2 DNA repair associated; plus strand). Cytogenetic location: 13q13.1.
Variant type: single nucleotide variant.
Coding change: c.9086C>A on transcript NM_000059.4 (MANE Select); coding-DNA position 9086, C replaced by A.
Protein change: p.Ala3029Glu; replaces alanine 3029 with glutamic acid.
Molecular consequence: missense variant.
Genome position (GRCh38, 1-based): chr13:32,379,882, C>A. VCF-style: chr13-32379882-C-A. GRCh37 (hg19) VCF-style: chr13-32954019-C-A.
Other names: c.8990C>A, p.Ala2997Glu (NM_001406719.1); c.9035C>A, p.Ala3012Glu (NM_001406720.1); c.4154C>A, p.Ala1385Glu (NM_001406721.1); c.2669C>A, p.Ala890Glu (NM_001406722.1); short protein forms A3029E, A1385E, A890E, A2997E, A3012E.
Identifiers: ClinVar variation 2099244 (VCV002099244.4), dbSNP rs80359162, ClinGen allele CA387757631.

ClinVar aggregate classification (germline): Uncertain significance (1 of 4 stars; one submission).

Conditions:
Hereditary breast ovarian cancer syndrome. Also called: Hereditary breast and/or ovarian cancer syndrome; Hereditary breast and ovarian cancer syndrome; Hereditary breast and ovarian cancer; Hereditary breast and ovarian cancer syndrome (HBOC); Breast and ovarian cancer; BRCA1- and BRCA2-Associated Hereditary Breast and Ovarian Cancer. Identifiers: Orphanet 145, MedGen C0677776, MeSH D061325, MONDO:0003582. Disease mechanism: loss of function.

Submission:

Labcorp Genetics (formerly Invitae), Labcorp
Classification: Uncertain significance for Hereditary breast ovarian cancer syndrome. Last evaluated: 2022-10-20. Review status: criteria provided, single submitter. Criteria: Invitae Variant Classification Sherloc (09022015). Collection method: clinical testing. Allele origin: germline.
Comment: In summary, the available evidence is currently insufficient to determine the role of this variant in disease. Therefore, it has been classified as a Variant of Uncertain Significance. Algorithms developed to predict the effect of sequence changes on RNA splicing suggest that this variant may disrupt the consensus splice site. Advanced modeling of protein sequence and biophysical properties (such as structural, functional, and spatial information, amino acid conservation, physicochemical variation, residue mobility, and thermodynamic stability) performed at Invitae indicates that this missense variant is not expected to disrupt BRCA2 protein function. This variant has not been reported in the literature in individuals affected with BRCA2-related conditions. This variant is not present in population databases (gnomAD no frequency). This sequence change replaces alanine, which is neutral and non-polar, with glutamic acid, which is acidic and polar, at codon 3029 of the BRCA2 protein (p.Ala3029Glu).